The following is an entry in ClinVar:

ClinVar aggregate classification (germline): Benign/Likely benign. Review status: criteria provided, multiple submitters, no conflicts (2 of 4 stars). 4 submissions from 4 submitters: Benign (2); Likely benign (1). 1 of the submissions does not count toward it. Last evaluated 2022-12-01.

Conditions:
Hypotension. Also called: low blood pressure; Hypotensive disorder. Identifiers: MedGen C0020649, MONDO:0005468, HP:0002615, MeSH D007022.

Allele frequency attached by ClinVar (database versions not stated): 1000 Genomes Project 0.00499; 1000 Genomes Project 30x 0.00515; TOPMed 0.00533; ESP Exome Variant Server 0.00638; ExAC 0.00704; gnomAD 0.00749 and 0.00761; gnomAD exomes 0.00769 and 0.00954.
gnomAD v4.1: 14,949 of 1,614,124 alleles (0.93%); highest among the groups gnomAD compares: Non-Finnish European, 1%; 105 homozygotes.

Submissions (4):

CeGaT Center for Human Genetics Tuebingen
Classification: Likely benign. Last evaluated: 2022-12-01. Review status: criteria provided, single submitter. Criteria: CeGaT Center For Human Genetics Tuebingen Variant Classification Criteria Version 2. Collection method: clinical testing. Allele origin: germline. Affected: yes. Observed: 1 variant allele.
Comment: KLF6: BP4, BP7, BS2

Labcorp Genetics (formerly Invitae), Labcorp
Classification: Benign. Last evaluated: 2018-08-10. Review status: criteria provided, single submitter. Criteria: Invitae Variant Classification Sherloc (09022015). Collection method: clinical testing. Allele origin: germline.

Breakthrough Genomics
Classification: Benign. Review status: criteria provided, single submitter. Criteria: ACMG Guidelines, 2015. Collection method: not provided. Allele origin: germline. Inheritance: Autosomal dominant inheritance. Affected: yes.

Centre for molecular medicine, Karolinska Institutet
No classification provided. Condition: Hypotension. Review status: no classification provided. Collection method: not provided. Allele origin: not provided. Not counted in ClinVar's aggregate classification.

NM_001300.6(KLF6):c.603G>A (p.Arg201=)

Gene: KLF6 (KLF transcription factor 6; minus strand). Cytogenetic location: 10p15.2.
Variant type: single nucleotide variant.
Coding change: c.603G>A on transcript NM_001300.6 (MANE Select); coding-DNA position 603, G replaced by A.
Protein change: p.Arg201=; no amino-acid change (arginine 201 retained).
Molecular consequence: synonymous variant. On other transcripts: intron variant (1).
Genome position (GRCh38, 1-based): chr10:3,781,714, C>T on the plus strand (G>A on the coding strand, the complement: KLF6 is on the minus strand). VCF-style: chr10-3781714-C-T. GRCh37 (hg19) VCF-style: chr10-3823906-C-T.
Other names: c.603G>A, p.Arg201= (NM_001160125.2); c.550+53G>A (NM_001160124.2).
Identifiers: ClinVar variation 132786 (VCV000132786.29), dbSNP rs112847236, ClinGen allele CA156193.